The following is an entry in ClinVar:

ClinVar aggregate classification (germline): Uncertain significance. Review status: criteria provided, multiple submitters, no conflicts (2 of 4 stars). 3 submissions from 3 submitters: Uncertain significance (3). Last evaluated 2026-03-02.

Conditions:
Cardiovascular phenotype. Identifiers: MedGen CN230736.

Allele frequency attached by ClinVar (database versions not stated): TOPMed 0.00001; gnomAD 0.00002 and 0.00003; ExAC 0.00015; 1000 Genomes Project 30x 0.00016; 1000 Genomes Project 0.00020.
gnomAD v4.1: 63 of 1,550,870 alleles (0.0041%); highest among the groups gnomAD compares: Middle Eastern, 0.033%; no homozygotes.

Submissions (3):

Women's Health and Genetics/Laboratory Corporation of America, LabCorp
Classification: Uncertain significance. Last evaluated: 2026-03-02. Review status: criteria provided, single submitter. Criteria: LabCorp Variant Classification Summary - May 2015. Collection method: clinical testing. Allele origin: germline.
Comment: Variant summary: ZNF469 c.8260G>A (p.Gly2754Arg) results in a non-conservative amino acid change in the encoded protein sequence. Algorithms developed to predict the effect of missense changes on protein structure and function are either unavailable or do not agree on the potential impact of this missense change. The variant allele was found at a frequency of 9.7e-05 in 154032 control chromosomes. This frequency is not significantly higher than estimated for disease-causing variants in ZNF469, allowing no conclusion about variant significance. To our knowledge, no occurrence of c.8260G>A in individuals affected with ZNF469-related conditions and no experimental evidence demonstrating its impact on protein function have been reported. ClinVar contains an entry for this variant (Variation ID: 1427532). Based on the evidence outlined above, the variant was classified as uncertain significance.

Labcorp Genetics (formerly Invitae), Labcorp
Classification: Uncertain significance. Last evaluated: 2026-01-22. Review status: criteria provided, single submitter. Criteria: Invitae Variant Classification Sherloc (09022015). Collection method: clinical testing. Allele origin: germline.
Comment: This sequence change replaces glycine, which is neutral and non-polar, with arginine, which is basic and polar, at codon 2726 of the ZNF469 protein (p.Gly2726Arg). This variant is present in population databases (rs568379728, gnomAD 0.02%). This variant has not been reported in the literature in individuals affected with ZNF469-related conditions. ClinVar contains an entry for this variant (Variation ID: 1427532). An algorithm developed to predict the effect of missense changes on protein structure and function outputs the following: PolyPhen-2: "Probably Damaging". The arginine amino acid residue is found in multiple mammalian species, which suggests that this missense change does not adversely affect protein function. In summary, the available evidence is currently insufficient to determine the role of this variant in disease. Therefore, it has been classified as a Variant of Uncertain Significance.

Ambry Genetics
Classification: Uncertain significance for Cardiovascular phenotype. Last evaluated: 2023-05-15. Review status: criteria provided, single submitter. Criteria: Ambry Variant Classification Scheme 2023. Collection method: clinical testing. Allele origin: germline.

NM_001367624.2(ZNF469):c.8260G>A (p.Gly2754Arg)

Gene: ZNF469 (zinc finger protein 469; plus strand). Cytogenetic location: 16q24.2.
Variant type: single nucleotide variant.
Coding change: c.8260G>A on transcript NM_001367624.2 (MANE Select); coding-DNA position 8260, G replaced by A.
Protein change: p.Gly2754Arg; replaces glycine 2754 with arginine.
Molecular consequence: missense variant.
Genome position (GRCh38, 1-based): chr16:88,435,730, G>A. VCF-style: chr16-88435730-G-A. GRCh37 (hg19) VCF-style: chr16-88502138-G-A.
Other names: NM_001127464.1:c.8176G>A; short protein forms G2754R.
Identifiers: ClinVar variation 1427532 (VCV001427532.8), dbSNP rs568379728, ClinGen allele CA8225319.